The following is an entry in ClinVar:

NM_000238.4(KCNH2):c.3170G>T (p.Ser1057Ile)

Gene: KCNH2 (potassium voltage-gated channel subfamily H member 2; minus strand). Cytogenetic location: 7q36.1.
Variant type: single nucleotide variant.
Coding change: c.3170G>T on transcript NM_000238.4 (MANE Select); coding-DNA position 3170, G replaced by T.
Protein change: p.Ser1057Ile; replaces serine 1057 with isoleucine.
Molecular consequence: missense variant.
Genome position (GRCh38, 1-based): chr7:150,947,037, C>A on the plus strand (G>T on the coding strand, the complement: KCNH2 is on the minus strand). VCF-style: chr7-150947037-C-A. GRCh37 (hg19) VCF-style: chr7-150644125-C-A.
Other names: c.2882G>T, p.Ser961Ile (NM_001406753.1); c.2150G>T, p.Ser717Ile (NM_172057.3); short protein forms S1057I, S717I, S961I.
Identifiers: ClinVar variation 1995231 (VCV001995231.5), dbSNP rs765524161, ClinGen allele CA369852366.
Genomic context (GRCh38, chr7:150,947,037, plus strand): 5'-GCGGGCGGGACCAGCGTCATCTGCCTCTGTAGCAGCTGCAGGACAGTGGCCATGTCTGCA[C>A]TCAGCCGGGTCTCCAGCCTGGGGCAGGAAGTGGGGGATGCTCAGAGAAGTGGGGACACCA-3'
Protein context (NP_000229.1, residues 1047-1067): RQLNRLETRL[Ser1057Ile]ADMATVLQLL

ClinVar aggregate classification (germline): Uncertain significance. Review status: criteria provided, multiple submitters, no conflicts (2 of 4 stars). 2 submissions from 2 submitters: Uncertain significance (2). Last evaluated 2025-07-28.

Conditions:
Long QT syndrome (LQTS). Identifiers: MedGen C0023976, MeSH D008133, MONDO:0002442. Disease mechanism: loss of function. Inheritance: Various modes of inheritance.
Cardiac arrhythmia. Also called: Arrhythmia; Cardiac rhythm disease. Identifiers: MedGen C0003811, MONDO:0007263, HP:0011675.

Submissions (2):

Color Diagnostics, LLC DBA Color Health
Classification: Uncertain significance for Cardiac arrhythmia. Last evaluated: 2025-07-28. Review status: criteria provided, single submitter. Criteria: ACMG Guidelines, 2015. Collection method: clinical testing. Allele origin: germline.
Comment: This missense variant replaces serine with isoleucine at codon 1057 of the KCNH2 protein. Computational prediction is inconclusive regarding the impact of this variant on protein structure and function. To our knowledge, functional studies have not been reported for this variant. This variant has not been reported in individuals affected with KCNH2-related disorders in the literature. This variant has not been identified in the general population by the Genome Aggregation Database (gnomAD). The available evidence is insufficient to determine the role of this variant in disease conclusively. Therefore, this variant is classified as a Variant of Uncertain Significance.

Labcorp Genetics (formerly Invitae), Labcorp
Classification: Uncertain significance for Long QT syndrome. Last evaluated: 2022-05-21. Review status: criteria provided, single submitter. Criteria: Invitae Variant Classification Sherloc (09022015). Collection method: clinical testing. Allele origin: germline.
Comment: In summary, the available evidence is currently insufficient to determine the role of this variant in disease. Therefore, it has been classified as a Variant of Uncertain Significance. Algorithms developed to predict the effect of missense changes on protein structure and function are either unavailable or do not agree on the potential impact of this missense change (SIFT: "Deleterious"; PolyPhen-2: "Possibly Damaging"; Align-GVGD: "Class C0"). This variant has not been reported in the literature in individuals affected with KCNH2-related conditions. This variant is not present in population databases (gnomAD no frequency). This sequence change replaces serine, which is neutral and polar, with isoleucine, which is neutral and non-polar, at codon 1057 of the KCNH2 protein (p.Ser1057Ile).